The following is an entry in ClinVar:

ClinVar aggregate classification (germline): not provided (0 of 4 stars; one submission).

Conditions:
Familial long QT syndrome (RWS). Also called: Congenital long QT syndrome; Romano-Ward syndrome; VENTRICULAR FIBRILLATION WITH PROLONGED QT INTERVAL. Identifiers: Orphanet 768, MedGen C1141890, MONDO:0019171.

Submission:

Cardiovascular Biomedical Research Unit, Royal Brompton & Harefield NHS Foundation Trust
No classification provided. Condition: Familial long QT syndrome. Review status: no classification provided. Collection method: literature only. Allele origin: germline.
Comment: This variant has been reported as associated with Long QT syndrome in the following publications (PMID:17470695). This is a literature report, and does not necessarily reflect the clinical interpretation of the Imperial College / Royal Brompton Cardiovascular Genetics laboratory.

Literature cited by the submitters: PubMed 17470695; PubMed 22581653.

NM_000218.3(KCNQ1):c.170G>T (p.Gly57Val)

Gene: KCNQ1 (potassium voltage-gated channel subfamily Q member 1; plus strand). Cytogenetic location: 11p15.5.
Variant type: single nucleotide variant.
Coding change: c.170G>T on transcript NM_000218.3 (MANE Select); coding-DNA position 170, G replaced by T.
Protein change: p.Gly57Val; replaces glycine 57 with valine.
Molecular consequence: missense variant.
Genome position (GRCh38, 1-based): chr11:2,445,268, G>T. VCF-style: chr11-2445268-G-T. GRCh37 (hg19) VCF-style: chr11-2466498-G-T.
Other names: c.170G>T (LRG_287t1); short protein forms G57V.
Identifiers: ClinVar variation 67051 (VCV000067051.1), dbSNP rs199473445, ClinGen allele CA006256.